The following is an entry in ClinVar:

ClinVar aggregate classification (germline): Uncertain significance (1 of 4 stars; one submission).

Submission:

Laboratorio de Genetica e Diagnostico Molecular, Hospital Israelita Albert Einstein
Classification: Uncertain significance. Last evaluated: 2020-03-13. Review status: criteria provided, single submitter. Criteria: ACMG Guidelines, 2015. Collection method: clinical testing. Allele origin: germline. Affected: yes.
Comment: ACMG classification criteria: PM2

NM_213720.3(CHCHD10):c.370G>A (p.Gly124Ser)

Gene: CHCHD10 (coiled-coil-helix-coiled-coil-helix domain containing 10; minus strand). Cytogenetic location: 22q11.23.
Variant type: single nucleotide variant.
Coding change: c.370G>A on transcript NM_213720.3 (MANE Select); coding-DNA position 370, G replaced by A.
Protein change: p.Gly124Ser; replaces glycine 124 with serine.
Molecular consequence: missense variant. On other transcripts: non-coding transcript variant (2).
Genome position (GRCh38, 1-based): chr22:23,766,167, C>T on the plus strand (G>A on the coding strand, the complement: CHCHD10 is on the minus strand). VCF-style: chr22-23766167-C-T. GRCh37 (hg19) VCF-style: chr22-24108354-C-T.
Other names: c.391G>A, p.Gly131Ser (NM_001301339.2); short protein forms G124S, G131S.
Identifiers: ClinVar variation 1690843 (VCV001690843.2), dbSNP rs2145924139, ClinGen allele CA410914400.
Genomic context (GRCh38, chr22:23,766,167, plus strand): 5'-AGTCGGGGTCCACTCACTCACCATGGTAGTACTTGCACTGCTTCAGGGCCTCGCTGAAGC[C>T]CTCACACAGGGACAGGTCACTCTGAGTGGTGGAACAGTCCAGGAACTGCCTGATCTCGTA-3'
Protein context (NP_998885.1, residues 114-134): TTQSDLSLCE[Gly124Ser]FSEALKQCKY